The following is an entry in ClinVar:

NM_020338.4(ZMIZ1):c.507G>A (p.Thr169=)

Gene: ZMIZ1 (zinc finger MIZ-type containing 1; plus strand). Cytogenetic location: 10q22.3.
Variant type: single nucleotide variant.
Coding change: c.507G>A on transcript NM_020338.4 (MANE Select); coding-DNA position 507, G replaced by A.
Protein change: p.Thr169=; no amino-acid change (threonine 169 retained).
Molecular consequence: synonymous variant.
Genome position (GRCh38, 1-based): chr10:79,289,856, G>A. VCF-style: chr10-79289856-G-A. GRCh37 (hg19) VCF-style: chr10-81049613-G-A.
Identifiers: ClinVar variation 4978206 (VCV004978206.1).
Genomic context (GRCh38, chr10:79,289,856, plus strand): 5'-CTCTGTCCCTTGGCAGCAGAACACCAACCAGCCTCCCGGCTCCCTTTCCGTGGTCACCAC[G>A]GTTTGGGGAGTAACCAACACATCCCAGAGCCAGGTAAGAGCCTATACTGCCCTCAGCCAC-3'
Protein context (NP_065071.1, residues 159-179): QPPGSLSVVT[Thr169=]VWGVTNTSQS

ClinVar aggregate classification (germline): Likely benign (1 of 4 stars; one submission).

Conditions:
ZMIZ1-related disorder. Also called: ZMIZ1-related condition.

gnomAD v4.1: 17 of 1,614,088 alleles (0.0011%); highest among the groups gnomAD compares: Middle Eastern, 0.017%; no homozygotes.

Submission:

PreventionGenetics, part of Exact Sciences
Classification: Likely benign for ZMIZ1-related condition. Last evaluated: 2025-01-27. Review status: criteria provided, single submitter. Criteria: ACMG Guidelines, 2015. Collection method: clinical testing. Allele origin: germline.
Comment: This variant is classified as likely benign based on ACMG/AMP sequence variant interpretation guidelines (Richards et al. 2015 PMID: 25741868, with internal and published modifications).